The following is an entry in ClinVar:

ClinVar aggregate classification (germline): Uncertain significance (1 of 4 stars; one submission).

Conditions:
Acrocallosal syndrome (ACLS). Also called: HALLUX DUPLICATION, POSTAXIAL POLYDACTYLY, AND ABSENCE OF CORPUS CALLOSUM; Schinzel syndrome 1; Absence of corpus callosum with unusual facial appearance, mental deficiency, duplication of the halluces and polydactyly. Identifiers: Orphanet 36, MedGen C0796147, MONDO:0008708, OMIM 200990.

gnomAD v4.1: 6 of 1,613,612 alleles (0.00037%); highest among the groups gnomAD compares: Non-Finnish European, 0.00051%; no homozygotes.

Submission:

Labcorp Genetics (formerly Invitae), Labcorp
Classification: Uncertain significance for Acrocallosal syndrome. Last evaluated: 2022-09-29. Review status: criteria provided, single submitter. Criteria: Invitae Variant Classification Sherloc (09022015). Collection method: clinical testing. Allele origin: germline.
Comment: In summary, the available evidence is currently insufficient to determine the role of this variant in disease. Therefore, it has been classified as a Variant of Uncertain Significance. Advanced modeling of protein sequence and biophysical properties (such as structural, functional, and spatial information, amino acid conservation, physicochemical variation, residue mobility, and thermodynamic stability) performed at Invitae indicates that this missense variant is not expected to disrupt KIF7 protein function. This variant has not been reported in the literature in individuals affected with KIF7-related conditions. This variant is present in population databases (no rsID available, gnomAD 0.002%). This sequence change replaces glycine, which is neutral and non-polar, with cysteine, which is neutral and slightly polar, at codon 1213 of the KIF7 protein (p.Gly1213Cys).

NM_198525.3(KIF7):c.3637G>T (p.Gly1213Cys)

Genes: KIF7 (kinesin family member 7; minus strand), LOC126862216 (BRD4-independent group 4 enhancer GRCh37_chr15:90171995-90173194; plus strand). Cytogenetic location: 15q26.1.
Variant type: single nucleotide variant.
Coding change: c.3637G>T on transcript NM_198525.3 (MANE Select); coding-DNA position 3637, G replaced by T.
Protein change: p.Gly1213Cys; replaces glycine 1213 with cysteine.
Molecular consequence: missense variant.
Genome position (GRCh38, 1-based): chr15:89,629,003, C>A on the plus strand (G>T on the coding strand, the complement: KIF7 is on the minus strand). VCF-style: chr15-89629003-C-A. GRCh37 (hg19) VCF-style: chr15-90172234-C-A.
Other names: short protein forms G1213C.
Identifiers: ClinVar variation 2143874 (VCV002143874.4), dbSNP rs143316368, ClinGen allele CA393753880.